The following is an entry in ClinVar:

ClinVar aggregate classification (germline): Uncertain significance (1 of 4 stars; one submission).

Submission:

GeneDx
Classification: Uncertain significance. Last evaluated: 2022-03-30. Review status: criteria provided, single submitter. Criteria: GeneDx Variant Classification Process June 2021. Collection method: clinical testing. Allele origin: germline. Affected: yes.
Comment: Not observed at significant frequency in large population cohorts (gnomAD); In silico analysis supports that this missense variant does not alter protein structure/function; Has not been previously published as pathogenic or benign to our knowledge

NM_019066.5(MAGEL2):c.1900G>A (p.Glu634Lys)

Gene: MAGEL2 (MAGE family member L2; minus strand). Cytogenetic location: 15q11.2.
Variant type: single nucleotide variant.
Coding change: c.1900G>A on transcript NM_019066.5 (MANE Select); coding-DNA position 1900, G replaced by A.
Protein change: p.Glu634Lys; replaces glutamic acid 634 with lysine.
Molecular consequence: missense variant.
Genome position (GRCh38, 1-based): chr15:23,645,843, C>T on the plus strand (G>A on the coding strand, the complement: MAGEL2 is on the minus strand). VCF-style: chr15-23645843-C-T. GRCh37 (hg19) VCF-style: chr15-23890990-C-T.
Other names: short protein forms E634K.
Identifiers: ClinVar variation 1707895 (VCV001707895.2), dbSNP rs2503979069, ClinGen allele CA391333086.